The following is an entry in ClinVar:

NM_198578.4(LRRK2):c.1361A>G (p.His454Arg)

Gene: LRRK2 (leucine rich repeat kinase 2; plus strand). Cytogenetic location: 12q12.
Variant type: single nucleotide variant.
Coding change: c.1361A>G on transcript NM_198578.4 (MANE Select); coding-DNA position 1361, A replaced by G.
Protein change: p.His454Arg; replaces histidine 454 with arginine.
Molecular consequence: missense variant.
Genome position (GRCh38, 1-based): chr12:40,257,320, A>G. VCF-style: chr12-40257320-A-G. GRCh37 (hg19) VCF-style: chr12-40651122-A-G.
Other names: short protein forms H454R.
Identifiers: ClinVar variation 2489715 (VCV002489715.5), dbSNP rs777795948, ClinGen allele CA6513355.

ClinVar aggregate classification (germline): Uncertain significance. Review status: criteria provided, multiple submitters, no conflicts (2 of 4 stars). 2 submissions from 2 submitters: Uncertain significance (2). Last evaluated 2023-09-17.

Conditions:
Autosomal dominant Parkinson disease 8. Also called: Parkinson disease 8, susceptibility to; LRRK2-Related Parkinson Disease; Parkinson disease 8. Identifiers: Orphanet 411602, MedGen C1846862, MONDO:0011764, OMIM 607060.
Inborn genetic diseases. Identifiers: MedGen C0950123, MeSH D030342.

Allele frequency attached by ClinVar (database versions not stated): gnomAD exomes 0.00001; ExAC 0.00002.
gnomAD v4.1: 10 of 1,612,204 alleles (0.00062%); highest among the groups gnomAD compares: South Asian, 0.0099%; no homozygotes.

Submissions (2):

Labcorp Genetics (formerly Invitae), Labcorp
Classification: Uncertain significance for Autosomal dominant Parkinson disease 8. Last evaluated: 2023-09-17. Review status: criteria provided, single submitter. Criteria: Invitae Variant Classification Sherloc (09022015). Collection method: clinical testing. Allele origin: germline.
Comment: ClinVar contains an entry for this variant (Variation ID: 2489715). This sequence change replaces histidine, which is basic and polar, with arginine, which is basic and polar, at codon 454 of the LRRK2 protein (p.His454Arg). This variant is present in population databases (rs777795948, gnomAD 0.01%). This variant has not been reported in the literature in individuals affected with LRRK2-related conditions. Advanced modeling of protein sequence and biophysical properties (such as structural, functional, and spatial information, amino acid conservation, physicochemical variation, residue mobility, and thermodynamic stability) has been performed at Invitae for this missense variant, however the output from this modeling did not meet the statistical confidence thresholds required to predict the impact of this variant on LRRK2 protein function. In summary, the available evidence is currently insufficient to determine the role of this variant in disease. Therefore, it has been classified as a Variant of Uncertain Significance.

Ambry Genetics
Classification: Uncertain significance for Inborn genetic diseases. Last evaluated: 2022-12-16. Review status: criteria provided, single submitter. Criteria: Ambry Variant Classification Scheme 2023. Collection method: clinical testing. Allele origin: germline.
Comment: The p.H454R variant (also known as c.1361A>G), located in coding exon 12 of the LRRK2 gene, results from an A to G substitution at nucleotide position 1361. The histidine at codon 454 is replaced by arginine, an amino acid with highly similar properties. This amino acid position is conserved. In addition, this alteration is predicted to be tolerated by in silico analysis. Since supporting evidence is limited at this time, the clinical significance of this alteration remains unclear.